The following is an entry in ClinVar:

ClinVar aggregate classification (germline): Uncertain significance (1 of 4 stars; one submission).

gnomAD v4.1: 1 of 1,613,934 alleles (0.000062%); highest among the groups gnomAD compares: East Asian, 0.0022%; no homozygotes.

Submission:

Labcorp Genetics (formerly Invitae), Labcorp
Classification: Uncertain significance. Last evaluated: 2022-04-25. Review status: criteria provided, single submitter. Criteria: Invitae Variant Classification Sherloc (09022015). Collection method: clinical testing. Allele origin: germline.
Comment: This variant has not been reported in the literature in individuals affected with KIDINS220-related conditions. This sequence change replaces glycine, which is neutral and non-polar, with alanine, which is neutral and non-polar, at codon 1094 of the KIDINS220 protein (p.Gly1094Ala). This variant is not present in population databases (gnomAD no frequency). Algorithms developed to predict the effect of missense changes on protein structure and function output the following: SIFT: "Tolerated"; PolyPhen-2: "Benign"; Align-GVGD: "Class C0". The alanine amino acid residue is found in multiple mammalian species, which suggests that this missense change does not adversely affect protein function. In summary, the available evidence is currently insufficient to determine the role of this variant in disease. Therefore, it has been classified as a Variant of Uncertain Significance.

NM_020738.4(KIDINS220):c.3281G>C (p.Gly1094Ala)

Gene: KIDINS220 (kinase D interacting substrate 220; minus strand). Cytogenetic location: 2p25.1.
Variant type: single nucleotide variant.
Coding change: c.3281G>C on transcript NM_020738.4 (MANE Select); coding-DNA position 3281, G replaced by C.
Protein change: p.Gly1094Ala; replaces glycine 1094 with alanine.
Molecular consequence: missense variant. On other transcripts: non-coding transcript variant (2).
Genome position (GRCh38, 1-based): chr2:8,750,245, C>G on the plus strand (G>C on the coding strand, the complement: KIDINS220 is on the minus strand). VCF-style: chr2-8750245-C-G. GRCh37 (hg19) VCF-style: chr2-8890375-C-G.
Other names: c.3284G>C, p.Gly1095Ala (NM_001348729.2, NM_001348731.2, NM_001348734.2 and 2 more transcripts); c.3281G>C, p.Gly1094Ala (NM_001348732.2, NM_001348735.2, NM_001348738.2 and 3 more transcripts); c.3155G>C, p.Gly1052Ala (NM_001348736.2); short protein forms G1095A, G1094A, G1052A.
Identifiers: ClinVar variation 1959934 (VCV001959934.5), dbSNP rs1667158430, ClinGen allele CA345771752.